The following is an entry in ClinVar:

ClinVar aggregate classification (germline): Pathogenic (1 of 4 stars; one submission).

Conditions:
Beta-D-mannosidosis (MANSB). Also called: MANNOSIDOSIS, BETA A, LYSOSOMAL; BETA-MANNOSIDASE DEFICIENCY; LYSOSOMAL BETA-MANNOSIDASE DEFICIENCY; Beta-Mannosidosis. Identifiers: Orphanet 118, MedGen C4048196, MONDO:0009562, OMIM 248510.

Allele frequency attached by ClinVar (database versions not stated): TOPMed below 0.00001.

Submission:

Labcorp Genetics (formerly Invitae), Labcorp
Classification: Pathogenic for Beta-D-mannosidosis. Last evaluated: 2023-08-30. Review status: criteria provided, single submitter. Criteria: Invitae Variant Classification Sherloc (09022015). Collection method: clinical testing. Allele origin: germline.
Comment: For these reasons, this variant has been classified as Pathogenic. This variant has not been reported in the literature in individuals affected with MANBA-related conditions. This variant is not present in population databases (gnomAD no frequency). This sequence change creates a premature translational stop signal (p.Gln250*) in the MANBA gene. It is expected to result in an absent or disrupted protein product. Loss-of-function variants in MANBA are known to be pathogenic (PMID: 9384606, 12468273).

Literature cited by the submitters: PubMed 9384606; PubMed 12468273.

NM_005908.4(MANBA):c.748C>T (p.Gln250Ter)

Gene: MANBA (mannosidase beta; minus strand). Cytogenetic location: 4q24.
Variant type: single nucleotide variant.
Coding change: c.748C>T on transcript NM_005908.4 (MANE Select); coding-DNA position 748, C replaced by T.
Protein change: p.Gln250Ter; replaces glutamine 250 with a stop codon.
Molecular consequence: nonsense.
Genome position (GRCh38, 1-based): chr4:102,690,697, G>A on the plus strand (C>T on the coding strand, the complement: MANBA is on the minus strand). VCF-style: chr4-102690697-G-A. GRCh37 (hg19) VCF-style: chr4-103611854-G-A.
Other names: short protein forms Q250*.
Identifiers: ClinVar variation 3002280 (VCV003002280.3), dbSNP rs1249251683, ClinGen allele CA357769561.